The following is an entry in ClinVar:

NM_001267550.2(TTN):c.73334C>T (p.Thr24445Ile)

Genes: TTN (titin; minus strand), TTN-AS1 (TTN antisense RNA 1; plus strand). Cytogenetic location: 2q31.2.
Variant type: single nucleotide variant.
Coding change: c.73334C>T on transcript NM_001267550.2 (MANE Select); coding-DNA position 73334, C replaced by T.
Protein change: p.Thr24445Ile; replaces threonine 24445 with isoleucine.
Molecular consequence: missense variant.
Genome position (GRCh38, 1-based): chr2:178,572,798, G>A on the plus strand (C>T on the coding strand, the complement: TTN is on the minus strand). VCF-style: chr2-178572798-G-A. GRCh37 (hg19) VCF-style: chr2-179437525-G-A.
Other names: p.T22804I:ACC>ATC; p.Thr22804Ile; c.68411C>T, p.Thr22804Ile (NM_001256850.1); c.46139C>T, p.Thr15380Ile (NM_003319.4); c.65630C>T, p.Thr21877Ile (NM_133378.4); c.46514C>T, p.Thr15505Ile (NM_133432.3); c.46715C>T, p.Thr15572Ile (NM_133437.4); short protein forms T22804I, T24445I, T21877I, T15380I, T15505I, T15572I.
Identifiers: ClinVar variation 202848 (VCV000202848.26), dbSNP rs377334665, ClinGen allele CA310472.

ClinVar aggregate classification (germline): Conflicting classifications of pathogenicity. Review status: criteria provided, conflicting classifications (1 of 4 stars). 11 submissions from 11 submitters: Uncertain significance (7); Likely benign (4). Last evaluated 2026-08-01.

Conditions:
TTN-related disorder. Also called: TTN-related disorders; TTN-related condition; TTN-related disease.
Autosomal recessive limb-girdle muscular dystrophy type 2J (LGMDR10). Also called: Limb-girdle muscular dystrophy, type 2J; MUSCULAR DYSTROPHY, LIMB-GIRDLE, AUTOSOMAL RECESSIVE 10. Identifiers: Orphanet 140922, MedGen C1837342, MONDO:0012127, OMIM 608807.
Dilated cardiomyopathy 1G (CMD1G). Identifiers: Orphanet 154, MedGen C1858763, MONDO:0011400, OMIM 604145.
Cardiomyopathy (CMYO). Also called: Cardiomyopathies. Identifiers: Orphanet 167848, MedGen C0878544, MONDO:0004994, HP:0001638. Inheritance: Various modes of inheritance.

Allele frequency attached by ClinVar (database versions not stated): gnomAD 0.00011; TOPMed 0.00011; ESP Exome Variant Server 0.00016.
gnomAD v4.1: 342 of 1,613,322 alleles (0.021%); highest among the groups gnomAD compares: Non-Finnish European, 0.026%; no homozygotes.

Submissions (11):

CeGaT Center for Human Genetics Tuebingen
Classification: Uncertain significance. Last evaluated: 2026-08-01. Review status: criteria provided, single submitter. Criteria: CeGaT Center For Human Genetics Tuebingen Variant Classification Criteria Version 2. Collection method: clinical testing. Allele origin: germline. Affected: yes. Observed: 1 variant allele.
Comment: TTN: PM2

PreventionGenetics, part of Exact Sciences
Classification: Likely benign for TTN-related condition. Last evaluated: 2026-06-12. Review status: criteria provided, single submitter. Criteria: ACMG Guidelines, 2015. Collection method: clinical testing. Allele origin: germline.
Comment: This variant is classified as likely benign based on ACMG/AMP sequence variant interpretation guidelines (Richards et al. 2015 PMID: 25741868, with internal and published modifications).

Mayo Clinic Laboratories, Mayo Clinic
Classification: Uncertain significance. Last evaluated: 2025-10-31. Review status: criteria provided, single submitter. Criteria: ACMG Guidelines, 2015. Collection method: clinical testing. Allele origin: germline. Observed: 2 variant alleles.

Revvity Omics, Revvity
Classification: Uncertain significance. Last evaluated: 2025-06-25. Review status: criteria provided, single submitter. Criteria: ACMG Guidelines, 2015. Collection method: clinical testing. Allele origin: germline.

Blueprint Genetics
Classification: Likely benign. Last evaluated: 2024-10-21. Review status: criteria provided, single submitter. Criteria: ACMG Guidelines, 2015. Collection method: clinical testing. Allele origin: germline.

GeneDx
Classification: Likely benign. Last evaluated: 2021-04-07. Review status: criteria provided, single submitter. Criteria: GeneDx Variant Classification Process June 2021. Collection method: clinical testing. Allele origin: germline. Affected: yes.
Comment: This variant is associated with the following publications: (PMID: 23396983, 31983221)

Athena Diagnostics
Classification: Uncertain significance. Last evaluated: 2019-07-18. Review status: criteria provided, single submitter. Criteria: Athena Diagnostics Criteria. Collection method: clinical testing. Allele origin: germline.

Laboratory for Molecular Medicine, Mass General Brigham Personalized Medicine
Classification: Likely benign. Last evaluated: 2018-08-29. Review status: criteria provided, single submitter. Criteria: LMM Criteria. Collection method: clinical testing. Allele origin: germline. Observed: 2 variant alleles.
Comment: The p.Thr21877Ile variant in TTN is classified as likely benign because it has b een identified in 0.02% (25/125770) of European chromosomes by the Genome Aggreg ation Database (gnomAD). This variant has also been reported in ClinVar (Variation ID 202848). ACMG/AMP Criteria applied: BS1, PP3.

Eurofins Ntd Llc (ga)
Classification: Uncertain significance. Last evaluated: 2018-01-25. Review status: criteria provided, single submitter. Criteria: EGL Classification Definitions 2015. Collection method: clinical testing. Allele origin: germline. Observed: 1 variant allele, 1 heterozygote.

CHEO Genetics Diagnostic Laboratory, Children's Hospital of Eastern Ontario
Classification: Uncertain significance for Cardiomyopathy. Last evaluated: 2017-02-10. Review status: criteria provided, single submitter. Criteria: ACMG Guidelines, 2015. Collection method: clinical testing. Allele origin: germline. Study: Canadian Open Genetics Repository.

Labcorp Genetics (formerly Invitae), Labcorp
Classification: Uncertain significance for Dilated cardiomyopathy 1G; Autosomal recessive limb-girdle muscular dystrophy type 2J. Last evaluated: 2015-12-19. Review status: criteria provided, single submitter. Criteria: Invitae Variant Classification Sherloc (09022015). Collection method: clinical testing. Allele origin: germline.

Literature cited by the submitters: PubMed 31983221 (cited by Mayo Clinic Laboratories, Mayo Clinic).